The following is an entry in ClinVar:

NM_002294.3(LAMP2):c.611C>T (p.Thr204Ile)

Gene: LAMP2 (lysosome associated membrane protein 2; minus strand). Cytogenetic location: Xq24.
Variant type: single nucleotide variant.
Coding change: c.611C>T on transcript NM_002294.3 (MANE Select); coding-DNA position 611, C replaced by T.
Protein change: p.Thr204Ile; replaces threonine 204 with isoleucine.
Molecular consequence: missense variant.
Genome position (GRCh38, 1-based): chrX:120,447,971, G>A on the plus strand (C>T on the coding strand, the complement: LAMP2 is on the minus strand). VCF-style: chrX-120447971-G-A. GRCh37 (hg19) VCF-style: chrX-119581826-G-A.
Other names: c.611C>T, p.Thr204Ile (NM_001122606.1, NM_013995.2); short protein forms T204I.
Identifiers: ClinVar variation 1429661 (VCV001429661.8), dbSNP rs1459886510, ClinGen allele CA414401598.

ClinVar aggregate classification (germline): Uncertain significance (1 of 4 stars; one submission).

Conditions:
Danon disease. Also called: Glycogen Storage Disease Type IIb; GSD IIb; LYSOSOMAL GLYCOGEN STORAGE DISEASE WITHOUT ACID MALTASE DEFICIENCY; ANTOPOL DISEASE; PSEUDOGLYCOGENOSIS II. Identifiers: Orphanet 34587, MedGen C0878677, MONDO:0010281, OMIM 300257.

Allele frequency attached by ClinVar (database versions not stated): TOPMed below 0.00001; gnomAD exomes 0.00001.

Submission:

Labcorp Genetics (formerly Invitae), Labcorp
Classification: Uncertain significance for Danon disease. Last evaluated: 2022-08-09. Review status: criteria provided, single submitter. Criteria: Invitae Variant Classification Sherloc (09022015). Collection method: clinical testing. Allele origin: germline.
Comment: This sequence change replaces threonine, which is neutral and polar, with isoleucine, which is neutral and non-polar, at codon 204 of the LAMP2 protein (p.Thr204Ile). In summary, the available evidence is currently insufficient to determine the role of this variant in disease. Therefore, it has been classified as a Variant of Uncertain Significance. Algorithms developed to predict the effect of missense changes on protein structure and function (SIFT, PolyPhen-2, Align-GVGD) all suggest that this variant is likely to be tolerated. ClinVar contains an entry for this variant (Variation ID: 1429661). This variant has not been reported in the literature in individuals affected with LAMP2-related conditions. This variant is present in population databases (no rsID available, gnomAD 0.001%), including at least one homozygous and/or hemizygous individual.